The following is an entry in ClinVar:

NM_000426.4(LAMA2):c.4311+89T>G

Gene: LAMA2 (laminin subunit alpha 2; plus strand). Cytogenetic location: 6q22.33.
Variant type: single nucleotide variant.
Coding change: c.4311+89T>G on transcript NM_000426.4 (MANE Select); 89 bases into the intron after coding-DNA position 4311, T replaced by G.
Molecular consequence: intron variant.
Genome position (GRCh38, 1-based): chr6:129,328,501, T>G. VCF-style: chr6-129328501-T-G. GRCh37 (hg19) VCF-style: chr6-129649646-T-G.
Other names: c.4311+89T>G (NM_001079823.2).
Identifiers: ClinVar variation 4855078 (VCV004855078.1).

ClinVar aggregate classification (germline): Uncertain significance (1 of 4 stars; one submission).

Conditions:
LAMA2-related disorder. Also called: LAMA2-related disorders; LAMA2-related condition.

gnomAD v4.1: 1 of 1,587,150 alleles (0.000063%); highest among the groups gnomAD compares: Non-Finnish European, 0.000086%; no homozygotes.

Submission:

3billion
Classification: Uncertain significance for LAMA2-related disorder. Last evaluated: 2025-08-20. Review status: criteria provided, single submitter. Criteria: ACMG Guidelines, 2015. Collection method: clinical testing. Allele origin: germline. Affected: yes.
Comment: The variant is observed at an extremely low frequency in the gnomAD v4.1.0 dataset (total allele frequency: <0.001%). Predicted Consequence/Location: Intron variant In silico tools predict the variant to alter splicing and produce an abnormal transcript [SpliceAI: 0.83 (>=0.2, moderate evidence for spliceogenicity)]. Therefore, this variant is classified as VUS according to the recommendation of ACMG/AMP guideline.